The following is an entry in ClinVar:

ClinVar aggregate classification (germline): Uncertain significance (1 of 4 stars; one submission).

Conditions:
Familial cold autoinflammatory syndrome 2 (FCAS2). Identifiers: Orphanet 247868, MedGen C2673198, MONDO:0012724, OMIM 611762.

Submission:

Labcorp Genetics (formerly Invitae), Labcorp
Classification: Uncertain significance for Familial cold autoinflammatory syndrome 2. Last evaluated: 2022-04-02. Review status: criteria provided, single submitter. Criteria: Invitae Variant Classification Sherloc (09022015). Collection method: clinical testing. Allele origin: germline.
Comment: In summary, the available evidence is currently insufficient to determine the role of this variant in disease. Therefore, it has been classified as a Variant of Uncertain Significance. Experimental studies and prediction algorithms are not available or were not evaluated, and the functional significance of this variant is currently unknown. This variant has not been reported in the literature in individuals affected with NLRP12-related conditions. This variant results in a copy number gain of the genomic region encompassing exon(s) 7-9 of the NLRP12 gene. While the exact position of this variant cannot be determined from the data, sub-genic copy number gains are generally in tandem (PMID: 25640679). This variant is predicted to be in-frame, and likely preserves the integrity of the reading frame.

Literature cited by the submitters: PubMed 25640679.

NC_000019.9:g.(?_54299093)_(54304671_?)dup

Gene: NLRP12 (NLR family pyrin domain containing 12; minus strand). Cytogenetic location: 19q13.42.
Variant type: Duplication.
Identifiers: ClinVar variation 2427311 (VCV002427311.4).